The following is an entry in ClinVar:

NM_007254.4(PNKP):c.762C>T (p.His254=)

Gene: PNKP (polynucleotide kinase 3'-phosphatase; minus strand). Cytogenetic location: 19q13.33.
Variant type: single nucleotide variant.
Coding change: c.762C>T on transcript NM_007254.4 (MANE Select); coding-DNA position 762, C replaced by T.
Protein change: p.His254=; no amino-acid change (histidine 254 retained).
Molecular consequence: synonymous variant.
Genome position (GRCh38, 1-based): chr19:49,863,743, G>A on the plus strand (C>T on the coding strand, the complement: PNKP is on the minus strand). VCF-style: chr19-49863743-G-A. GRCh37 (hg19) VCF-style: chr19-50367000-G-A.
Identifiers: ClinVar variation 198849 (VCV000198849.16), dbSNP rs794727920, ClinGen allele CA247695.
Genomic context (GRCh38, chr19:49,863,743, plus strand): 5'-ACTCACCTGCTCCTGCAGATGGTCCCACATGCCCGTCACCGGCTTCCGGTACAAGCCTGC[G>A]TGCGTGGCCACCAGCACCTGTGGATGGGAGGGGGCCACCAGCTTTAGCTCCCCCTCAAGC-3'
Protein context (NP_009185.2, residues 244-264): GVPFQVLVAT[His254=]AGLYRKPVTG

ClinVar aggregate classification (germline): Conflicting classifications of pathogenicity. Review status: criteria provided, conflicting classifications (1 of 4 stars). 4 submissions from 4 submitters: Uncertain significance (1); Likely benign (3). Last evaluated 2024-11-05.

Conditions:
Developmental and epileptic encephalopathy, 12 (DEE12). Identifiers: MedGen C3150988, MONDO:0013389, OMIM 613722.

Allele frequency attached by ClinVar (database versions not stated): gnomAD 0.00001; gnomAD exomes 0.00001; TOPMed 0.00002.
gnomAD v4.1: 15 of 1,559,820 alleles (0.00096%); highest among the groups gnomAD compares: African/African-American, 0.0041%; no homozygotes.

Submissions (4):

Labcorp Genetics (formerly Invitae), Labcorp
Classification: Likely benign for Developmental and epileptic encephalopathy, 12. Last evaluated: 2024-11-05. Review status: criteria provided, single submitter. Criteria: Invitae Variant Classification Sherloc (09022015). Collection method: clinical testing. Allele origin: germline.

Blueprint Genetics
Classification: Likely benign. Last evaluated: 2023-12-29. Review status: criteria provided, single submitter. Criteria: ACMG Guidelines, 2015. Collection method: clinical testing. Allele origin: germline.

GeneDx
Classification: Likely benign. Last evaluated: 2016-10-28. Review status: criteria provided, single submitter. Criteria: GeneDx Variant Classification (06012015). Collection method: clinical testing. Allele origin: germline. Affected: yes.
Comment: This variant is considered likely benign or benign based on one or more of the following criteria: it is a conservative change, it occurs at a poorly conserved position in the protein, it is predicted to be benign by multiple in silico algorithms, and/or has population frequency not consistent with disease.

Eurofins Ntd Llc (ga)
Classification: Uncertain significance. Last evaluated: 2015-03-03. Review status: criteria provided, single submitter. Criteria: EGL Classification Definitions 2015. Collection method: clinical testing. Allele origin: germline. Observed: 1 variant allele, 1 heterozygote.